The following is an entry in ClinVar:

NM_023110.3(FGFR1):c.621+4C>T

Gene: FGFR1 (fibroblast growth factor receptor 1; minus strand). Cytogenetic location: 8p11.23.
Variant type: single nucleotide variant.
Coding change: c.621+4C>T on transcript NM_023110.3 (MANE Select); 4 bases into the intron after coding-DNA position 621, C replaced by T.
Molecular consequence: intron variant.
Genome position (GRCh38, 1-based): chr8:38,427,917, G>A on the plus strand (C>T on the coding strand, the complement: FGFR1 is on the minus strand). VCF-style: chr8-38427917-G-A. GRCh37 (hg19) VCF-style: chr8-38285435-G-A.
Other names: c.348+4C>T (NM_001354368.2, NM_001354370.2, NM_023106.3); c.354+4C>T (NM_023105.3, NM_001174066.2); c.615+4C>T (NM_001354367.2, NM_015850.4, NM_001354369.2 and 1 more transcripts); c.621+4C>T (NM_001174063.2); c.597+4C>T (NM_001174064.2); c.714+4C>T (NM_001174067.2).
Identifiers: ClinVar variation 1418016 (VCV001418016.7), dbSNP rs750639887, ClinGen allele CA175150575.

ClinVar aggregate classification (germline): Uncertain significance. Review status: criteria provided, multiple submitters, no conflicts (2 of 4 stars). 2 submissions from 2 submitters: Uncertain significance (2). Last evaluated 2025-11-10.

Conditions:
Hypogonadotropic hypogonadism 2 with or without anosmia (HH2). Also called: HYPOGONADOTROPIC HYPOGONADISM 2 WITHOUT ANOSMIA; HYPOGONADOTROPIC HYPOGONADISM 2 WITH OR WITHOUT ANOSMIA, SUSCEPTIBILITY TO; HYPOGONADOTROPIC HYPOGONADISM 2 WITHOUT ANOSMIA, SUSCEPTIBILITY TO; FGFR1-Related GnRH Deficiency (Kallmann Syndrome 2). Identifiers: Orphanet 478, MedGen C1563720, MONDO:0007844, OMIM 147950. Disease mechanism: loss of function.
Pfeiffer syndrome (ACS5). Also called: ACS V. Identifiers: Orphanet 710, MedGen C0220658, MONDO:0007043, OMIM 101600.

Allele frequency attached by ClinVar (database versions not stated): TOPMed below 0.00001; gnomAD 0.00001; gnomAD exomes 0.00001 and 0.00002.
gnomAD v4.1: 24 of 1,614,046 alleles (0.0015%); highest among the groups gnomAD compares: East Asian, 0.0022%; no homozygotes.

Submissions (2):

Labcorp Genetics (formerly Invitae), Labcorp
Classification: Uncertain significance for Pfeiffer syndrome; Hypogonadotropic hypogonadism 2 with or without anosmia. Last evaluated: 2025-11-10. Review status: criteria provided, single submitter. Criteria: Invitae Variant Classification Sherloc (09022015). Collection method: clinical testing. Allele origin: germline.
Comment: This sequence change falls in intron 5 of the FGFR1 gene. It does not directly change the encoded amino acid sequence of the FGFR1 protein. It affects a nucleotide within the consensus splice site. This variant is present in population databases (rs750639887, gnomAD 0.002%). This variant has not been reported in the literature in individuals affected with FGFR1-related conditions. ClinVar contains an entry for this variant (Variation ID: 1418016). Variants that disrupt the consensus splice site are a relatively common cause of aberrant splicing (PMID: 17576681, 9536098). Algorithms developed to predict the effect of sequence changes on RNA splicing suggest that this variant is not likely to affect RNA splicing. In summary, the available evidence is currently insufficient to determine the role of this variant in disease. Therefore, it has been classified as a Variant of Uncertain Significance.

Women's Health and Genetics/Laboratory Corporation of America, LabCorp
Classification: Uncertain significance. Last evaluated: 2024-05-31. Review status: criteria provided, single submitter. Criteria: LabCorp Variant Classification Summary - May 2015. Collection method: clinical testing. Allele origin: germline.
Comment: Variant summary: FGFR1 c.621+4C>T alters a non-conserved nucleotide located close to a canonical splice site and therefore could affect mRNA splicing, leading to a significantly altered protein sequence. Consensus agreement among computation tools predict no significant impact on normal splicing. However, these predictions have yet to be confirmed by functional studies. The variant allele was found at a frequency of 1.2e-05 in 249514 control chromosomes. The available data on variant occurrences in the general population are insufficient to allow any conclusion about variant significance. To our knowledge, no occurrence of c.621+4C>T in individuals affected with FGFR1-Related Disorders and no experimental evidence demonstrating its impact on protein function have been reported. ClinVar contains an entry for this variant (Variation ID: 1418016). Based on the evidence outlined above, the variant was classified as uncertain significance.

Literature cited by the submitters: PubMed 17576681 (cited by Labcorp Genetics (formerly Invitae), Labcorp); PubMed 9536098 (cited by Labcorp Genetics (formerly Invitae), Labcorp).